The following is an entry in ClinVar:

ClinVar aggregate classification (germline): Uncertain significance (1 of 4 stars; one submission).

Allele frequency attached by ClinVar (database versions not stated): TOPMed below 0.00001.

Submission:

Labcorp Genetics (formerly Invitae), Labcorp
Classification: Uncertain significance. Last evaluated: 2022-06-05. Review status: criteria provided, single submitter. Criteria: Invitae Variant Classification Sherloc (09022015). Collection method: clinical testing. Allele origin: germline.
Comment: In summary, the available evidence is currently insufficient to determine the role of this variant in disease. Therefore, it has been classified as a Variant of Uncertain Significance. Algorithms developed to predict the effect of missense changes on protein structure and function (SIFT, PolyPhen-2, Align-GVGD) all suggest that this variant is likely to be tolerated. ClinVar contains an entry for this variant (Variation ID: 1429605). This variant has not been reported in the literature in individuals affected with ACACA-related conditions. This variant is not present in population databases (gnomAD no frequency). This sequence change replaces threonine, which is neutral and polar, with serine, which is neutral and polar, at codon 2210 of the ACACA protein (p.Thr2210Ser).

NM_198834.3(ACACA):c.6739A>T (p.Thr2247Ser)

Genes: ACACA (acetyl-CoA carboxylase alpha; minus strand), LOC126862545 (BRD4-independent group 4 enhancer GRCh37_chr17:35453499-35454698; plus strand). Cytogenetic location: 17q12.
Variant type: single nucleotide variant.
Coding change: c.6739A>T on transcript NM_198834.3 (MANE Select); coding-DNA position 6739, A replaced by T.
Protein change: p.Thr2247Ser; replaces threonine 2247 with serine.
Molecular consequence: missense variant.
Genome position (GRCh38, 1-based): chr17:37,097,148, T>A on the plus strand (A>T on the coding strand, the complement: ACACA is on the minus strand). VCF-style: chr17-37097148-T-A. GRCh37 (hg19) VCF-style: chr17-35454083-T-A.
Other names: c.6628A>T, p.Thr2210Ser (NM_198836.3, NM_198839.3); c.6454A>T, p.Thr2152Ser (NM_198837.2); c.6394A>T, p.Thr2132Ser (NM_198838.2); short protein forms T2210S, T2247S, T2132S, T2152S.
Identifiers: ClinVar variation 1429605 (VCV001429605.6), dbSNP rs2073043833, ClinGen allele CA399239771.